The following is an entry in ClinVar:

NM_000053.4(ATP7B):c.216T>C (p.Cys72=)

Gene: ATP7B (ATPase copper transporting beta; minus strand). Cytogenetic location: 13q14.3.
Variant type: single nucleotide variant.
Coding change: c.216T>C on transcript NM_000053.4 (MANE Select); coding-DNA position 216, T replaced by C.
Protein change: p.Cys72=; no amino-acid change (cysteine 72 retained).
Molecular consequence: synonymous variant.
Genome position (GRCh38, 1-based): chr13:51,975,004, A>G on the plus strand (T>C on the coding strand, the complement: ATP7B is on the minus strand). VCF-style: chr13-51975004-A-G. GRCh37 (hg19) VCF-style: chr13-52549140-A-G.
Other names: c.216T>C, p.Cys72= (NM_001005918.3, NM_001243182.2, NM_001330578.2 and 30 more transcripts); c.120T>C, p.Cys40= (NM_001406517.1, NM_001406518.1, NM_001406530.1 and 4 more transcripts).
Identifiers: ClinVar variation 2643822 (VCV002643822.24), dbSNP rs2547824967, ClinGen allele CA484025107.
Genomic context (GRCh38, chr13:51,975,004, plus strand): 5'-GGAAACCTTCATGCTGATGATGCCTTTCAAATTGGAAATCCTGTCCTCAATGGACTTCAC[A>G]CATGACTGGCAAGTCATGCCCAAGATCCTGACTGTGCTGGTGGCCACCTGAGAAGAAGGG-3'
Protein context (NP_000044.2, residues 62-82): VRILGMTCQS[Cys72=]VKSIEDRISN

ClinVar aggregate classification (germline): Likely benign (1 of 4 stars; one submission).

Submission:

CeGaT Center for Human Genetics Tuebingen
Classification: Likely benign. Last evaluated: 2023-05-01. Review status: criteria provided, single submitter. Criteria: CeGaT Center For Human Genetics Tuebingen Variant Classification Criteria Version 2. Collection method: clinical testing. Allele origin: germline. Affected: yes. Observed: 1 variant allele.
Comment: ATP7B: PM2:Supporting, BP4, BP7